The following is an entry in ClinVar:

NM_006514.4(SCN10A):c.4680_4681insTTTTTTTTTTTTTTTTTTTTNNNNNNNNNNCTGACCTCGTGATCCGCCCGCCTCGGCCTCCCAAAGTGCTGGGATTACAGGCGTGAGCCACCGCGCCCGGCCCTCTGCAATTCTT (p.Lys1561delinsPhePhePhePhePhePheXaaXaaXaaXaaLeuThrSerTer)

Gene: SCN10A (sodium voltage-gated channel alpha subunit 10; minus strand). Cytogenetic location: 3p22.2.
Variant type: Insertion.
Coding change: c.4680_4681insTTTTTTTTTTTTTTTTTTTTNNNNNNNNNNCTGACCTCGTGATCCGCCCGCCTCGGCCTCCCAAAGTGCTGGGATTACAGGCGTGAGCCACCGCGCCCGGCCCTCTGCAATTCTT on transcript NM_006514.4 (MANE Select); coding-DNA positions 4680 to 4681, TTTTTTTTTTTTTTTTTTTTNNNNNNNNNNCTGACCTCGTGATCCGCCCGCCTCGGCCTCCCAAAGTGCTGGGATTACAGGCGTGAGCCACCGCGCCCGGCCCTCTGCAATTCTT inserted.
Protein change: p.Lys1561delinsPhePhePhePhePhePheXaaXaaXaaXaaLeuThrSerTer.
Molecular consequence: nonsense.
Genome position: GRCh38: chr3:38,698,551-38,698,552. GRCh37 (hg19): chr3:38,740,042-38,740,043.
Other names: c.4677_4678insTTTTTTTTTTTTTTTTTTTTNNNNNNNNNNCTGACCTCGTGATCCGCCCGCCTCGGCCTCCCAAAGTGCTGGGATTACAGGCGTGAGCCACCGCGCCCGGCCCTCTGCAATTCTT, p.Lys1560delinsPhePhePhePhePhePheXaaXaaXaaXaaLeuThrSerTer (NM_001293306.2); c.4386_4387insTTTTTTTTTTTTTTTTTTTTNNNNNNNNNNCTGACCTCGTGATCCGCCCGCCTCGGCCTCCCAAAGTGCTGGGATTACAGGCGTGAGCCACCGCGCCCGGCCCTCTGCAATTCTT, p.Lys1463delinsPhePhePhePhePhePheXaaXaaXaaXaaLeuThrSerTer (NM_001293307.2).
Identifiers: ClinVar variation 4732909 (VCV004732909.1).

ClinVar aggregate classification (germline): Uncertain significance (1 of 4 stars; one submission).

Conditions:
Brugada syndrome. Also called: Sudden unexpected nocturnal death syndrome; Sudden Unexplained Death Syndrome; Sudden Unexplained Nocturnal Death Syndrome (SUNDS); Sudden unexplained nocturnal death syndrome. Identifiers: Orphanet 130, MedGen C1142166, MONDO:0015263.

Submission:

Labcorp Genetics (formerly Invitae), Labcorp
Classification: Uncertain significance for Brugada syndrome. Last evaluated: 2025-12-10. Review status: criteria provided, single submitter. Criteria: Invitae Variant Classification Sherloc (09022015). Collection method: clinical testing. Allele origin: germline.
Comment: This sequence change inserts a large fragment of DNA, likely a transposable element, in exon 27 of the SCN10A gene (c.4680_4681ins?), causing a frameshift at codon 1561 (p.Lys1561fs). The exact size and sequence of the insertion cannot be determined by the current assay. However, the insertion is expected to result in an absent or disrupted protein product. This variant is not present in population databases (gnomAD no frequency). This variant has not been reported in the literature in individuals affected with SCN10A-related conditions. Retrotransposon insertions including LINE1 (L1), Alu, and SVA (SINE-VNTR-Alu) have been reported to disrupt protein function (PMID: 19763152, 20307669, 22406018). However the effect of this particular variant is unknown. In summary, the available evidence is currently insufficient to determine the role of this variant in disease. Therefore, it has been classified as a Variant of Uncertain Significance.

Literature cited by the submitters: PubMed 19763152; PubMed 20307669; PubMed 22406018.